The following is an entry in ClinVar:

ClinVar aggregate classification (germline): Likely benign (1 of 4 stars; one submission).

Conditions:
WDPCP-related disorder. Also called: WDPCP-related condition.

Submission:

PreventionGenetics, part of Exact Sciences
Classification: Likely benign for WDPCP-related condition. Last evaluated: 2024-12-31. Review status: criteria provided, single submitter. Criteria: ACMG Guidelines, 2015. Collection method: clinical testing. Allele origin: germline.
Comment: This variant is classified as likely benign based on ACMG/AMP sequence variant interpretation guidelines (Richards et al. 2015 PMID: 25741868, with internal and published modifications).

NM_015910.7(WDPCP):c.1812+3G>C

Gene: WDPCP (WD repeat containing planar cell polarity effector; minus strand). Cytogenetic location: 2p15.
Variant type: single nucleotide variant.
Coding change: c.1812+3G>C on transcript NM_015910.7 (MANE Select); 3 bases into the intron after coding-DNA position 1812, G replaced by C.
Molecular consequence: intron variant.
Genome position (GRCh38, 1-based): chr2:63,313,245, C>G on the plus strand (G>C on the coding strand, the complement: WDPCP is on the minus strand). VCF-style: chr2-63313245-C-G. GRCh37 (hg19) VCF-style: chr2-63540380-C-G.
Other names: c.1740+3G>C (NM_001354044.2); c.1335+3G>C (NM_001042692.3).
Identifiers: ClinVar variation 5002407 (VCV005002407.1).